The following is an entry in ClinVar:

NM_004006.3(DMD):c.6214G>A (p.Val2072Met)

Gene: DMD (dystrophin; minus strand). Cytogenetic location: Xp21.1.
Variant type: single nucleotide variant.
Coding change: c.6214G>A on transcript NM_004006.3 (MANE Select); coding-DNA position 6214, G replaced by A.
Protein change: p.Val2072Met; replaces valine 2072 with methionine.
Molecular consequence: missense variant.
Genome position (GRCh38, 1-based): chrX:32,287,605, C>T on the plus strand (G>A on the coding strand, the complement: DMD is on the minus strand). VCF-style: chrX-32287605-C-T. GRCh37 (hg19) VCF-style: chrX-32305722-C-T.
Other names: c.6190G>A, p.Val2064Met (NM_000109.4); c.6202G>A, p.Val2068Met (NM_004009.3); c.5845G>A, p.Val1949Met (NM_004010.3); c.2191G>A, p.Val731Met (NM_004011.4); c.2182G>A, p.Val728Met (NM_004012.4); short protein forms V2068M, V2072M, V728M, V1949M, V2064M, V731M.
Identifiers: ClinVar variation 3634815 (VCV003634815.2).

ClinVar aggregate classification (germline): Uncertain significance (1 of 4 stars; one submission).

Conditions:
Duchenne muscular dystrophy (DMD). Also called: MUSCULAR DYSTROPHY, PSEUDOHYPERTROPHIC PROGRESSIVE, DUCHENNE TYPE; Duchenne Muscular Dystrophy (DMD). Identifiers: Orphanet 98896, MedGen C0013264, MONDO:0010679, OMIM 310200.

Submission:

Labcorp Genetics (formerly Invitae), Labcorp
Classification: Uncertain significance for Duchenne muscular dystrophy. Last evaluated: 2024-04-06. Review status: criteria provided, single submitter. Criteria: Invitae Variant Classification Sherloc (09022015). Collection method: clinical testing. Allele origin: germline.
Comment: This sequence change replaces valine, which is neutral and non-polar, with methionine, which is neutral and non-polar, at codon 2072 of the DMD protein (p.Val2072Met). This variant is not present in population databases (gnomAD no frequency). This variant has not been reported in the literature in individuals affected with DMD-related conditions. Advanced modeling of protein sequence and biophysical properties (such as structural, functional, and spatial information, amino acid conservation, physicochemical variation, residue mobility, and thermodynamic stability) performed at Invitae indicates that this missense variant is not expected to disrupt DMD protein function with a negative predictive value of 95%. In summary, the available evidence is currently insufficient to determine the role of this variant in disease. Therefore, it has been classified as a Variant of Uncertain Significance.